The following is an entry in ClinVar:

NM_145243.5(OMA1):c.632T>G (p.Phe211Cys)

Genes: OMA1 (OMA1 zinc metallopeptidase; minus strand), DAB1 (DAB adaptor protein 1; minus strand). Cytogenetic location: 1p32.1.
Variant type: single nucleotide variant.
Coding change: c.632T>G on transcript NM_145243.5 (MANE Select); coding-DNA position 632, T replaced by G.
Protein change: p.Phe211Cys; replaces phenylalanine 211 with cysteine.
Molecular consequence: missense variant. On other transcripts: intron variant (1).
Genome position (GRCh38, 1-based): chr1:58,536,610, A>C on the plus strand (T>G on the coding strand, the complement: OMA1 is on the minus strand). VCF-style: chr1-58536610-A-C. GRCh37 (hg19) VCF-style: chr1-59002282-A-C.
Other names: c.-729-9275T>G (NM_001379461.1); short protein forms F211C.
Identifiers: ClinVar variation 1287065 (VCV001287065.4), dbSNP rs17117699, ClinGen allele CA877148.
Genomic context (GRCh38, chr1:58,536,610, plus strand): 5'-TCTTTCCCCAATAATAGTAGCTTGCTCCTTCCTGTGATTGGACTTACTTCCAGGTGAGTA[A>C]AATAAAACACCACAAAGAGCAATCCAAAACTACTCAAACCAAGGAATAGCTTCCATTTAT-3'
Protein context (NP_660286.1, residues 201-221): SFGLLFVVFY[Phe211Cys]THLEVSPITG

ClinVar aggregate classification (germline): Benign. Review status: criteria provided, multiple submitters, no conflicts (2 of 4 stars). 2 submissions from 2 submitters: Benign (2). Last evaluated 2020-07-15.

Allele frequency attached by ClinVar (database versions not stated): gnomAD 0.01585 and 0.01847; TOPMed 0.01763; 1000 Genomes Project 0.04473; 1000 Genomes Project 30x 0.04341; gnomAD exomes 0.02339 and 0.02652; ESP Exome Variant Server 0.01130; ExAC 0.02624.
gnomAD v4.1: 19,642 of 872,832 alleles (2.3%); highest among the groups gnomAD compares: East Asian, 12%; 565 homozygotes.

Submissions (2):

GeneDx
Classification: Benign. Last evaluated: 2020-07-15. Review status: criteria provided, single submitter. Criteria: GeneDx Variant Classification Process June 2021. Collection method: clinical testing. Allele origin: germline. Affected: yes.
Comment: This variant is associated with the following publications: (PMID: 32236861)

Breakthrough Genomics
Classification: Benign. Review status: criteria provided, single submitter. Criteria: ACMG Guidelines, 2015. Collection method: not provided. Allele origin: germline. Inheritance: Unknown mechanism. Affected: yes.